The following is an entry in ClinVar:

ClinVar aggregate classification (germline): Likely benign. Review status: criteria provided, multiple submitters, no conflicts (2 of 4 stars). 2 submissions from 2 submitters: Likely benign (2). Last evaluated 2021-10-10.

Conditions:
Muscular dystrophy-dystroglycanopathy (congenital with impaired intellectual development), type B, 3. Also called: Muscular dystrophy-dystroglycanopathy (congenital with intellectual disability), type B3; MUSCULAR DYSTROPHY, CONGENITAL, POMGNT1-RELATED. Identifiers: MedGen C3150412, MONDO:0013155, OMIM 613151.
Autosomal recessive limb-girdle muscular dystrophy type 2O. Also called: Limb-Girdle Muscular Dystrophy Type 3C; MUSCULAR DYSTROPHY-DYSTROGLYCANOPATHY (LIMB-GIRDLE), TYPE C, 3; MUSCULAR DYSTROPHY-DYSTROGLYCANOPATHY, LIMB-GIRDLE, POMGNT1-RELATED. Identifiers: Orphanet 206564, MedGen C3150417, MONDO:0013161, OMIM 613157.

Allele frequency attached by ClinVar (database versions not stated): ExAC 0.00001; gnomAD 0.00001; gnomAD exomes 0.00001; TOPMed 0.00001.
gnomAD v4.1: 25 of 1,613,854 alleles (0.0015%); highest among the groups gnomAD compares: Non-Finnish European, 0.0019%; no homozygotes.

Submissions (2):

Labcorp Genetics (formerly Invitae), Labcorp
Classification: Likely benign for Autosomal recessive limb-girdle muscular dystrophy type 2O; Muscular dystrophy-dystroglycanopathy (congenital with impaired intellectual development), type B, 3. Last evaluated: 2021-10-10. Review status: criteria provided, single submitter. Criteria: Invitae Variant Classification Sherloc (09022015). Collection method: clinical testing. Allele origin: germline.

GeneDx
Classification: Likely benign. Last evaluated: 2016-11-17. Review status: criteria provided, single submitter. Criteria: GeneDx Variant Classification (06012015). Collection method: clinical testing. Allele origin: germline. Affected: yes.
Comment: This variant is considered likely benign or benign based on one or more of the following criteria: it is a conservative change, it occurs at a poorly conserved position in the protein, it is predicted to be benign by multiple in silico algorithms, and/or has population frequency not consistent with disease.

NM_017739.4(POMGNT1):c.1212-4T>G

Genes: POMGNT1 (protein O-linked mannose N-acetylglucosaminyltransferase 1 (beta 1,2-); minus strand), TSPAN1 (tetraspanin 1; plus strand). Cytogenetic location: 1p34.1.
Variant type: single nucleotide variant.
Coding change: c.1212-4T>G on transcript NM_017739.4 (MANE Select); 4 bases into the intron before coding-DNA position 1212, T replaced by G.
Molecular consequence: intron variant.
Genome position (GRCh38, 1-based): chr1:46,192,594, A>C on the plus strand (T>G on the coding strand, the complement: POMGNT1 is on the minus strand). VCF-style: chr1-46192594-A-C. GRCh37 (hg19) VCF-style: chr1-46658266-A-C.
Other names: c.1212-4T>G (NM_001243766.2, NM_001438686.1, NM_001438688.1 and 3 more transcripts); c.1146-4T>G (NM_001290129.3, NM_001438691.1, NM_001438692.1); c.783-4T>G (NM_001290130.2).
Identifiers: ClinVar variation 390875 (VCV000390875.12), dbSNP rs778941358, ClinGen allele CA833429.